The following is an entry in ClinVar:

NM_004568.6(SERPINB6):c.725G>A (p.Arg242Lys)

Gene: SERPINB6 (serpin family B member 6; minus strand). Cytogenetic location: 6p25.2.
Variant type: single nucleotide variant.
Coding change: c.725G>A on transcript NM_004568.6 (MANE Select); coding-DNA position 725, G replaced by A.
Protein change: p.Arg242Lys; replaces arginine 242 with lysine.
Molecular consequence: missense variant. On other transcripts: non-coding transcript variant (1).
Genome position (GRCh38, 1-based): chr6:2,948,918, C>T on the plus strand (G>A on the coding strand, the complement: SERPINB6 is on the minus strand). VCF-style: chr6-2948918-C-T. GRCh37 (hg19) VCF-style: chr6-2949152-C-T.
Other names: c.737G>A, p.Arg246Lys (NM_001195291.3, NM_001374515.1); c.767G>A, p.Arg256Lys (NM_001271822.2); c.782G>A, p.Arg261Lys (NM_001271823.2); c.725G>A, p.Arg242Lys (NM_001271824.2, NM_001271825.2, NM_001297699.2 and 2 more transcripts); c.593G>A, p.Arg198Lys (NM_001374517.1); short protein forms R242K, R246K, R261K, R256K, R198K.
Identifiers: ClinVar variation 517324 (VCV000517324.15), dbSNP rs187482841, ClinGen allele CA3617451.

ClinVar aggregate classification (germline): Benign/Likely benign. Review status: criteria provided, multiple submitters, no conflicts (2 of 4 stars). 4 submissions from 4 submitters: Benign (3); Likely benign (1). Last evaluated 2025-08-06.

Allele frequency attached by ClinVar (database versions not stated): ESP Exome Variant Server 0.00008; gnomAD 0.00026 and 0.00038; gnomAD exomes 0.00034 and 0.00067; TOPMed 0.00035; ExAC 0.00072; 1000 Genomes Project 30x 0.00219; 1000 Genomes Project 0.00220.
gnomAD v4.1: 556 of 1,614,208 alleles (0.034%); highest among the groups gnomAD compares: East Asian, 0.94%; 5 homozygotes.

Submissions (4):

Labcorp Genetics (formerly Invitae), Labcorp
Classification: Benign. Last evaluated: 2025-08-06. Review status: criteria provided, single submitter. Criteria: Invitae Variant Classification Sherloc (09022015). Collection method: clinical testing. Allele origin: germline.

Blueprint Genetics
Classification: Likely benign. Last evaluated: 2024-10-23. Review status: criteria provided, single submitter. Criteria: ACMG Guidelines, 2015. Collection method: clinical testing. Allele origin: germline.

GeneDx
Classification: Benign. Last evaluated: 2020-10-05. Review status: criteria provided, single submitter. Criteria: GeneDx Variant Classification Process June 2021. Collection method: clinical testing. Allele origin: germline. Affected: yes.

Laboratory for Molecular Medicine, Mass General Brigham Personalized Medicine
Classification: Benign. Last evaluated: 2017-03-20. Review status: criteria provided, single submitter. Criteria: LMM Criteria. Collection method: clinical testing. Allele origin: germline. Observed: 3 variant alleles.
Comment: p.Arg242Lys in exon 6C of SERPINB6: This variant is not expected to have clinica l significance because it has been identified in (0.844%) 73/8654 of East Asian chromosomes by the Exome Aggregation Consortium (ExAC; dbSNP rs187482841).